The following is an entry in ClinVar:

ClinVar aggregate classification (germline): Uncertain significance (1 of 4 stars; one submission).

Conditions:
Glycogen storage disease IXb (GSD9B). Also called: GLYCOGENOSIS OF LIVER AND MUSCLE, AUTOSOMAL RECESSIVE; GSD IXb; PHOSPHORYLASE KINASE DEFICIENCY OF LIVER AND MUSCLE, AUTOSOMAL RECESSIVE. Identifiers: Orphanet 79240, MedGen C0543514, MONDO:0009868, OMIM 261750.

Submission:

Labcorp Genetics (formerly Invitae), Labcorp
Classification: Uncertain significance for Glycogen storage disease IXb. Last evaluated: 2022-07-25. Review status: criteria provided, single submitter. Criteria: Invitae Variant Classification Sherloc (09022015). Collection method: clinical testing. Allele origin: germline.
Comment: This variant has not been reported in the literature in individuals affected with PHKB-related conditions. Algorithms developed to predict the effect of missense changes on protein structure and function are either unavailable or do not agree on the potential impact of this missense change (SIFT: "Deleterious"; PolyPhen-2: "Possibly Damaging"; Align-GVGD: "Class C0"). In summary, the available evidence is currently insufficient to determine the role of this variant in disease. Therefore, it has been classified as a Variant of Uncertain Significance. This sequence change replaces arginine, which is basic and polar, with leucine, which is neutral and non-polar, at codon 103 of the PHKB protein (p.Arg103Leu). This variant is not present in population databases (gnomAD no frequency).

NM_000293.3(PHKB):c.308G>T (p.Arg103Leu)

Gene: PHKB (phosphorylase kinase regulatory subunit beta; plus strand). Cytogenetic location: 16q12.1.
Variant type: single nucleotide variant.
Coding change: c.308G>T on transcript NM_000293.3 (MANE Select); coding-DNA position 308, G replaced by T.
Protein change: p.Arg103Leu; replaces arginine 103 with leucine.
Molecular consequence: missense variant.
Genome position (GRCh38, 1-based): chr16:47,502,993, G>T. VCF-style: chr16-47502993-G-T. GRCh37 (hg19) VCF-style: chr16-47536904-G-T.
Other names: c.287G>T, p.Arg96Leu (NM_001031835.3); c.308G>T, p.Arg103Leu (NM_001363837.1); short protein forms R103L, R96L.
Identifiers: ClinVar variation 1715461 (VCV001715461.5), dbSNP rs368975705, ClinGen allele CA396098913.